The following is an entry in ClinVar:

NM_003482.4(KMT2D):c.5345T>A (p.Leu1782Gln)

Gene: KMT2D (lysine methyltransferase 2D; minus strand). Cytogenetic location: 12q13.12.
Variant type: single nucleotide variant.
Coding change: c.5345T>A on transcript NM_003482.4 (MANE Select); coding-DNA position 5345, T replaced by A.
Protein change: p.Leu1782Gln; replaces leucine 1782 with glutamine.
Molecular consequence: missense variant.
Genome position (GRCh38, 1-based): chr12:49,043,757, A>T on the plus strand (T>A on the coding strand, the complement: KMT2D is on the minus strand). VCF-style: chr12-49043757-A-T. GRCh37 (hg19) VCF-style: chr12-49437540-A-T.
Other names: short protein forms L1782Q.
Identifiers: ClinVar variation 3365199 (VCV003365199.1).

ClinVar aggregate classification (germline): Uncertain significance (1 of 4 stars; one submission).

Submission:

GeneDx
Classification: Uncertain significance. Last evaluated: 2023-12-01. Review status: criteria provided, single submitter. Criteria: GeneDx Variant Classification Process June 2021. Collection method: clinical testing. Allele origin: germline. Affected: yes.
Comment: Has not been previously published as pathogenic or benign to our knowledge; Not observed at significant frequency in large population cohorts (gnomAD); In silico analysis supports that this missense variant has a deleterious effect on protein structure/function